The following is an entry in ClinVar:

NM_005559.4(LAMA1):c.3288G>A (p.Gly1096=)

Gene: LAMA1 (laminin subunit alpha 1; minus strand). Cytogenetic location: 18p11.31.
Variant type: single nucleotide variant.
Coding change: c.3288G>A on transcript NM_005559.4 (MANE Select); coding-DNA position 3288, G replaced by A.
Protein change: p.Gly1096=; no amino-acid change (glycine 1096 retained).
Molecular consequence: synonymous variant.
Genome position (GRCh38, 1-based): chr18:7,013,890, C>T on the plus strand (G>A on the coding strand, the complement: LAMA1 is on the minus strand). VCF-style: chr18-7013890-C-T. GRCh37 (hg19) VCF-style: chr18-7013889-C-T.
Identifiers: ClinVar variation 3026893 (VCV003026893.24), dbSNP rs1450209284, ClinGen allele CA502798305.

ClinVar aggregate classification (germline): Likely benign. Review status: criteria provided, multiple submitters, no conflicts (2 of 4 stars). 2 submissions from 2 submitters: Likely benign (2). Last evaluated 2024-12-26.

Allele frequency attached by ClinVar (database versions not stated): TOPMed below 0.00001; gnomAD 0.00001.
gnomAD v4.1: 1 of 1,613,156 alleles (0.000062%); highest among the groups gnomAD compares: Non-Finnish European, 0.000085%; no homozygotes.

Submissions (2):

Labcorp Genetics (formerly Invitae), Labcorp
Classification: Likely benign. Last evaluated: 2024-12-26. Review status: criteria provided, single submitter. Criteria: Invitae Variant Classification Sherloc (09022015). Collection method: clinical testing. Allele origin: germline.

CeGaT Center for Human Genetics Tuebingen
Classification: Likely benign. Last evaluated: 2024-01-01. Review status: criteria provided, single submitter. Criteria: CeGaT Center For Human Genetics Tuebingen Variant Classification Criteria Version 2. Collection method: clinical testing. Allele origin: germline. Affected: yes. Observed: 1 variant allele.
Comment: LAMA1: BP4, BP7